The following is an entry in ClinVar:

NM_002439.5(MSH3):c.1196A>T (p.Glu399Val)

Gene: MSH3 (mutS homolog 3; plus strand). Cytogenetic location: 5q14.1.
Variant type: single nucleotide variant.
Coding change: c.1196A>T on transcript NM_002439.5 (MANE Select); coding-DNA position 1196, A replaced by T.
Protein change: p.Glu399Val; replaces glutamic acid 399 with valine.
Molecular consequence: missense variant.
Genome position (GRCh38, 1-based): chr5:80,678,949, A>T. VCF-style: chr5-80678949-A-T. GRCh37 (hg19) VCF-style: chr5-79974768-A-T.
Other names: short protein forms E399V.
Identifiers: ClinVar variation 4764020 (VCV004764020.1).

ClinVar aggregate classification (germline): Uncertain significance (1 of 4 stars; one submission).

Submission:

Labcorp Genetics (formerly Invitae), Labcorp
Classification: Uncertain significance. Last evaluated: 2025-08-29. Review status: criteria provided, single submitter. Criteria: Invitae Variant Classification Sherloc (09022015). Collection method: clinical testing. Allele origin: germline.
Comment: This sequence change replaces glutamic acid, which is acidic and polar, with valine, which is neutral and non-polar, at codon 399 of the MSH3 protein (p.Glu399Val). This variant is not present in population databases (gnomAD no frequency). This variant has not been reported in the literature in individuals affected with MSH3-related conditions. An algorithm developed to predict the effect of missense changes on protein structure and function (PolyPhen-2) suggests that this variant is likely to be disruptive. In summary, the available evidence is currently insufficient to determine the role of this variant in disease. Therefore, it has been classified as a Variant of Uncertain Significance.